The following is an entry in ClinVar:

ClinVar aggregate classification (germline): Likely benign. Review status: criteria provided, multiple submitters, no conflicts (2 of 4 stars). 2 submissions from 2 submitters: Likely benign (2). Last evaluated 2018-06-19.

Allele frequency attached by ClinVar (database versions not stated): 1000 Genomes Project 0.00419; 1000 Genomes Project 30x 0.00453; gnomAD 0.00810 and 0.00873; TOPMed 0.00858; gnomAD exomes 0.01059.
gnomAD v4.1: 6,747 of 670,516 alleles (1%); highest among the groups gnomAD compares: Non-Finnish European, 1.5%; 43 homozygotes.

Submissions (2):

GeneDx
Classification: Likely benign. Last evaluated: 2018-06-19. Review status: criteria provided, single submitter. Criteria: GeneDx Variant Classification (06012015). Collection method: clinical testing. Allele origin: germline. Affected: yes.
Comment: This variant is considered likely benign or benign based on one or more of the following criteria: it is a conservative change, it occurs at a poorly conserved position in the protein, it is predicted to be benign by multiple in silico algorithms, and/or has population frequency not consistent with disease.

Breakthrough Genomics
Classification: Likely benign. Review status: criteria provided, single submitter. Criteria: ACMG Guidelines, 2015. Collection method: not provided. Allele origin: germline. Inheritance: Autosomal dominant inheritance. Affected: yes.

NM_130839.5(UBE3A):c.2354+164C>T

Genes: SNHG14 (small nucleolar RNA host gene 14; plus strand), UBE3A (ubiquitin protein ligase E3A; minus strand). Cytogenetic location: 15q11.2.
Variant type: single nucleotide variant.
Coding change: c.2354+164C>T on transcript NM_130839.5 (MANE Select); 164 bases into the intron after coding-DNA position 2354, C replaced by T.
Molecular consequence: intron variant.
Genome position (GRCh38, 1-based): chr15:25,354,189, G>A on the plus strand (C>T on the coding strand, the complement: UBE3A is on the minus strand). VCF-style: chr15-25354189-G-A. GRCh37 (hg19) VCF-style: chr15-25599336-G-A.
Other names: c.2177+164C>T (NM_001354546.2); c.1043+164C>T (NM_001354551.2); c.2129+164C>T (NM_001354549.2); c.2138+164C>T (NM_001354548.2, NM_001354547.2); c.2294+164C>T (NM_130838.4, NM_001354542.2, NM_001354523.2 and 14 more transcripts); c.1103+164C>T (NM_001354550.2); c.2198+164C>T (NM_001354545.2); c.2354+164C>T (NM_001354538.2, NM_001354505.1); and 1 more.
Identifiers: ClinVar variation 677531 (VCV000677531.2), dbSNP rs112494329, ClinGen allele CA14193628.
Genomic context (GRCh38, chr15:25,354,189, plus strand): 5'-GGAGATTACATGAGACTTATATATAACAACACTTCATTCATGAAATAAATCACAAGATTA[G>A]CTCTGAAAAATGGTGATTATATTACAAATACAAATCTAAGTATATAGATGACAATTTGTG-3'